The following is an entry in ClinVar:

ClinVar aggregate classification (germline): Uncertain significance. Review status: criteria provided, multiple submitters, no conflicts (2 of 4 stars). 2 submissions from 2 submitters: Uncertain significance (2). Last evaluated 2025-10-26.

Submissions (2):

Labcorp Genetics (formerly Invitae), Labcorp
Classification: Uncertain significance. Last evaluated: 2025-10-26. Review status: criteria provided, single submitter. Criteria: Invitae Variant Classification Sherloc (09022015). Collection method: clinical testing. Allele origin: germline.
Comment: This variant, c.147_149dup, results in the insertion of 1 amino acid(s) of the AEBP1 protein (p.Arg50dup), but otherwise preserves the integrity of the reading frame. This variant is present in population databases (rs758785378, gnomAD 0.009%). This variant has not been reported in the literature in individuals affected with AEBP1-related conditions. ClinVar contains an entry for this variant (Variation ID: 3614509). In summary, the available evidence is currently insufficient to determine the role of this variant in disease. Therefore, it has been classified as a Variant of Uncertain Significance.

Women's Health and Genetics/Laboratory Corporation of America, LabCorp
Classification: Uncertain significance. Last evaluated: 2025-04-21. Review status: criteria provided, single submitter. Criteria: LabCorp Variant Classification Summary - May 2015. Collection method: clinical testing. Allele origin: germline.
Comment: Variant summary: AEBP1 c.147_149dupCCG (p.Arg50dup) results in an in-frame duplication that is predicted to duplicate one amino acid into the encoded protein. The variant allele was found at a frequency of 1.3e-05 in 228612 control chromosomes (gnomAD). The available data on variant occurrences in the general population are insufficient to allow any conclusion about variant significance. To our knowledge, no occurrence of c.147_149dupCCG in individuals affected with Ehlers-Danlos syndrome, classic-like, 2 and no experimental evidence demonstrating its impact on protein function have been reported. ClinVar contains an entry for this variant (Variation ID: 3614509). Based on the evidence outlined above, the variant was classified as uncertain significance.

NM_001129.5(AEBP1):c.147_149dup (p.Arg50_Glu51insArg)

Gene: AEBP1 (AE binding protein 1; plus strand). Cytogenetic location: 7p13.
Variant type: Duplication.
Coding change: c.147_149dup on transcript NM_001129.5 (MANE Select); coding-DNA positions 147 to 149, 3 bases duplicated (CCG; older notation c.147_149dupCCG).
Protein change: p.Arg50_Glu51insArg.
Molecular consequence: inframe insertion.
Genome position (GRCh38, 1-based): chr7:44,104,812-44,104,814, CCG duplicated. VCF-style (leftmost placement, unchanged base first): chr7-44104811-C-CCCG. GRCh37 (hg19) VCF-style: chr7-44144410-C-CCCG.
Other names: c.147_149dupCCG (NM_001129.5).
Identifiers: ClinVar variation 3614509 (VCV003614509.4).